The following is an entry in ClinVar:

ClinVar aggregate classification (germline): Uncertain significance (1 of 4 stars; one submission).

Allele frequency attached by ClinVar (database versions not stated): gnomAD exomes below 0.00001; TOPMed 0.00001.

Submission:

Labcorp Genetics (formerly Invitae), Labcorp
Classification: Uncertain significance. Last evaluated: 2022-11-22. Review status: criteria provided, single submitter. Criteria: Invitae Variant Classification Sherloc (09022015). Collection method: clinical testing. Allele origin: germline.
Comment: This variant is not present in population databases (gnomAD no frequency). In summary, the available evidence is currently insufficient to determine the role of this variant in disease. Therefore, it has been classified as a Variant of Uncertain Significance. Algorithms developed to predict the effect of missense changes on protein structure and function are either unavailable or do not agree on the potential impact of this missense change (SIFT: "Deleterious"; PolyPhen-2: "Benign"; Align-GVGD: "Class C0"). This variant has not been reported in the literature in individuals affected with SLC19A1-related conditions. This sequence change replaces histidine, which is basic and polar, with tyrosine, which is neutral and polar, at codon 569 of the SLC19A1 protein (p.His569Tyr).

NM_194255.4(SLC19A1):c.1705C>T (p.His569Tyr)

Gene: SLC19A1 (solute carrier family 19 member 1; minus strand). Cytogenetic location: 21q22.3.
Variant type: single nucleotide variant.
Coding change: c.1705C>T on transcript NM_194255.4 (MANE Select); coding-DNA position 1705, C replaced by T.
Protein change: p.His569Tyr; replaces histidine 569 with tyrosine.
Molecular consequence: missense variant. On other transcripts: intron variant (2).
Genome position (GRCh38, 1-based): chr21:45,515,729, G>A on the plus strand (C>T on the coding strand, the complement: SLC19A1 is on the minus strand). VCF-style: chr21-45515729-G-A. GRCh37 (hg19) VCF-style: chr21-46935643-G-A.
Other names: c.1585C>T, p.His529Tyr (NM_001205207.3); c.1351C>T, p.His451Tyr (NM_001352510.2); c.1705C>T, p.His569Tyr (NM_001352512.2); c.1294-577C>T (NM_001352511.3, NM_001205206.4); short protein forms H569Y, H451Y, H529Y.
Identifiers: ClinVar variation 2172748 (VCV002172748.4), dbSNP rs2037885693, ClinGen allele CA410503672.
Genomic context (GRCh38, chr21:45,515,729, plus strand): 5'-CATTCTGAACACCGTCGCTTGGAAGACACTGCAAACCCAGCTTGCTGACACCAGGAGGAT[G>A]GACAGCCAGCTGGGGACAAGTCTCATCTGCAGCCTCAGGGCCTGAGGCTTGGGCGGAGCA-3'
Protein context (NP_919231.1, residues 559-579): ADETCPQLAV[His569Tyr]PPGVSKLGLQ